The following is an entry in ClinVar:

NM_001130823.3(DNMT1):c.177T>A (p.Asn59Lys)

Gene: DNMT1 (DNA methyltransferase 1; minus strand). Cytogenetic location: 19p13.2.
Variant type: single nucleotide variant.
Coding change: c.177T>A on transcript NM_001130823.3 (MANE Select); coding-DNA position 177, T replaced by A.
Protein change: p.Asn59Lys; replaces asparagine 59 with lysine.
Molecular consequence: missense variant. On other transcripts: 5 prime UTR variant (1).
Genome position (GRCh38, 1-based): chr19:10,180,826, A>T on the plus strand (T>A on the coding strand, the complement: DNMT1 is on the minus strand). VCF-style: chr19-10180826-A-T. GRCh37 (hg19) VCF-style: chr19-10291502-A-T.
Other names: c.177T>A, p.Asn59Lys (NM_001318730.2, NM_001379.4); c.-147T>A (NM_001318731.2); short protein forms N59K.
Identifiers: ClinVar variation 3690141 (VCV003690141.2).

ClinVar aggregate classification (germline): Uncertain significance (1 of 4 stars; one submission).

Conditions:
Hereditary sensory neuropathy-deafness-dementia syndrome. Also called: NEUROPATHY, HEREDITARY SENSORY, WITH HEARING LOSS AND DEMENTIA; Hereditary Sensory and Autonomic Neuropathy Type 1E (HSAN1E); HSN IE; Hereditary sensory neuropathy type IE. Identifiers: Orphanet 456318, MedGen C3279885, MONDO:0013584, OMIM 614116.

gnomAD v4.1: 3 of 1,614,178 alleles (0.00019%); highest among the groups gnomAD compares: Non-Finnish European, 0.00025%; no homozygotes.

Submission:

Labcorp Genetics (formerly Invitae), Labcorp
Classification: Uncertain significance for Hereditary sensory neuropathy-deafness-dementia syndrome. Last evaluated: 2025-01-08. Review status: criteria provided, single submitter. Criteria: Invitae Variant Classification Sherloc (09022015). Collection method: clinical testing. Allele origin: germline.
Comment: This sequence change replaces asparagine, which is neutral and polar, with lysine, which is basic and polar, at codon 59 of the DNMT1 protein (p.Asn59Lys). This variant is present in population databases (no rsID available, gnomAD 0.002%). This variant has not been reported in the literature in individuals affected with DNMT1-related conditions. An algorithm developed to predict the effect of missense changes on protein structure and function (PolyPhen-2) suggests that this variant is likely to be tolerated. In summary, the available evidence is currently insufficient to determine the role of this variant in disease. Therefore, it has been classified as a Variant of Uncertain Significance.